The following is an entry in ClinVar:

NM_000059.4(BRCA2):c.6401_6404del (p.Asn2134fs)

Gene: BRCA2 (BRCA2 DNA repair associated; plus strand). Cytogenetic location: 13q13.1.
Variant type: Deletion.
Coding change: c.6401_6404del on transcript NM_000059.4 (MANE Select); coding-DNA positions 6401 to 6404, 4 bases deleted (ATAA; older notation c.6401_6404delATAA).
Protein change: p.Asn2134fs; shifts the reading frame from asparagine 2134.
Molecular consequence: frameshift variant.
Genome position (GRCh38, 1-based): chr13:32,340,756-32,340,759, ATAA deleted; deleting any 4 consecutive bases within chr13:32,340,754-32,340,759 gives the same sequence; the c. name uses the placement nearest the transcript's 3' end. VCF-style (leftmost placement, unchanged base first): chr13-32340753-CAAAT-C. GRCh37 (hg19) VCF-style: chr13-32914890-CAAAT-C.
Other names: 6629del4; c.6401_6404delATAA (NM_000059.3).
Identifiers: ClinVar variation 52082 (VCV000052082.10), dbSNP rs80359583, ClinGen allele CA023989.

ClinVar aggregate classification (germline): Pathogenic. Review status: reviewed by expert panel (3 of 4 stars). 5 submissions from 5 submitters: Pathogenic (1). 4 of the submissions do not count toward it. Last evaluated 2016-09-08.

Conditions:
Hereditary cancer-predisposing syndrome. Also called: Neoplastic Syndromes, Hereditary; Tumor predisposition; Hereditary neoplastic syndrome; Hereditary Cancer Syndrome. Identifiers: Orphanet 140162, MedGen C0027672, MeSH D009386, MONDO:0015356.
Hereditary breast ovarian cancer syndrome. Also called: Hereditary breast and ovarian cancer syndrome; Hereditary breast and ovarian cancer; Hereditary breast and ovarian cancer syndrome (HBOC); Breast and ovarian cancer; Hereditary breast and/or ovarian cancer syndrome; BRCA1- and BRCA2-Associated Hereditary Breast and Ovarian Cancer. Identifiers: Orphanet 145, MedGen C0677776, MeSH D061325, MONDO:0003582. Disease mechanism: loss of function.
Breast-ovarian cancer, familial, susceptibility to, 2 (BROVCA2). Also called: BRCA2 Hereditary Breast and Ovarian Cancer. Identifiers: Orphanet 145, MedGen C2675520, MONDO:0012933, OMIM 612555. Disease mechanism: loss of function.

Submissions (5):

Evidence-based Network for the Interpretation of Germline Mutant Alleles (ENIGMA)
Classification: Pathogenic for Breast-ovarian cancer, familial, susceptibility to, 2. Last evaluated: 2016-09-08. Review status: reviewed by expert panel. Criteria: ENIGMA BRCA1/2 Classification Criteria (2015). Collection method: curation. Allele origin: germline.
Comment: Variant allele predicted to encode a truncated non-functional protein.

Labcorp Genetics (formerly Invitae), Labcorp
Classification: Pathogenic for Hereditary breast ovarian cancer syndrome. Last evaluated: 2023-07-29. Review status: criteria provided, single submitter. Criteria: Invitae Variant Classification Sherloc (09022015). Collection method: clinical testing. Allele origin: germline. Not counted in ClinVar's aggregate classification.
Comment: For these reasons, this variant has been classified as Pathogenic. ClinVar contains an entry for this variant (Variation ID: 52082). This variant is also known as c.6400_6403delAATA. This premature translational stop signal has been observed in individual(s) with breast and/or ovarian cancer (PMID: 31825140). This variant is not present in population databases (gnomAD no frequency). This sequence change creates a premature translational stop signal (p.Asn2134Thrfs*2) in the BRCA2 gene. It is expected to result in an absent or disrupted protein product. Loss-of-function variants in BRCA2 are known to be pathogenic (PMID: 20104584).

Ambry Genetics
Classification: Pathogenic for Hereditary cancer-predisposing syndrome. Last evaluated: 2021-10-01. Review status: criteria provided, single submitter. Criteria: Ambry Variant Classification Scheme 2023. Collection method: clinical testing. Allele origin: germline. Not counted in ClinVar's aggregate classification.
Comment: The c.6401_6404delATAA pathogenic mutation, located in coding exon 10 of the BRCA2 gene, results from a deletion of 4 nucleotides at nucleotide positions 6401 to 6404, causing a translational frameshift with a predicted alternate stop codon (p.N2134Tfs*2). This alteration was identified in a large, worldwide study of BRCA1/2 mutation positive families (Rebbeck TR et al. Hum Mutat, 2018 05;39:593-620). In addition to the clinical data presented in the literature, this alteration is expected to result in loss of function by premature protein truncation or nonsense-mediated mRNA decay. As such, this alteration is interpreted as a disease-causing mutation.

Consortium of Investigators of Modifiers of BRCA1/2 (CIMBA), c/o University of Cambridge
Classification: Pathogenic for Breast-ovarian cancer, familial, susceptibility to, 2. Last evaluated: 2015-10-02. Review status: criteria provided, single submitter. Criteria: CIMBA Mutation Classification guidelines May 2016. Collection method: clinical testing. Allele origin: germline. Not counted in ClinVar's aggregate classification.

Breast Cancer Information Core (BIC) (BRCA2)
Classification: Pathogenic for Breast-ovarian cancer, familial 2. Last evaluated: 2001-01-17. Review status: no assertion criteria provided. Collection method: clinical testing. Allele origin: germline. Affected: yes. Observed: 1 variant allele. Not counted in ClinVar's aggregate classification.

Literature cited by the submitters: PubMed 31825140 (cited by Labcorp Genetics (formerly Invitae), Labcorp); PubMed 20104584 (cited by Labcorp Genetics (formerly Invitae), Labcorp); PubMed 22762150 (cited by Ambry Genetics); PubMed 29446198 (cited by Ambry Genetics).